The following is an entry in ClinVar:

ClinVar aggregate classification (germline): Uncertain significance (1 of 4 stars; one submission).

Allele frequency attached by ClinVar (database versions not stated): gnomAD 0.00001; TOPMed 0.00002.

Submission:

Greenwood Genetic Center Diagnostic Laboratories, Greenwood Genetic Center
Classification: Uncertain significance. Last evaluated: 2022-04-20. Review status: criteria provided, single submitter. Criteria: ACMG Guidelines, 2015. Collection method: clinical testing. Allele origin: germline. Affected: yes.
Comment: PM2

NM_004114.5(FGF13):c.*9200C>T

Gene: FGF13 (fibroblast growth factor 13; minus strand). Cytogenetic location: Xq26.3.
Variant type: single nucleotide variant.
Coding change: c.*9200C>T on transcript NM_004114.5 (MANE Select); 9200 bases downstream of the stop codon, C replaced by T.
Molecular consequence: 3 prime UTR variant.
Genome position (GRCh38, 1-based): chrX:138,623,650, G>A on the plus strand (C>T on the coding strand, the complement: FGF13 is on the minus strand). VCF-style: chrX-138623650-G-A. GRCh37 (hg19) VCF-style: chrX-137705811-G-A.
Other names: c.*9200C>T (NM_001139498.2, NM_001139500.2, NM_001139501.2 and 2 more transcripts).
Identifiers: ClinVar variation 1703155 (VCV001703155.3), dbSNP rs1047991265, ClinGen allele CA336207186.